The following is an entry in ClinVar:

ClinVar aggregate classification (germline): Uncertain significance (1 of 4 stars; one submission).

Conditions:
Senior-Loken syndrome 8 (SLSN8). Identifiers: Orphanet 3156, MedGen C4225376, MONDO:0014579, OMIM 616307.
Asphyxiating thoracic dystrophy 5 (SRTD5). Also called: SHORT-RIB THORACIC DYSPLASIA 5 WITHOUT POLYDACTYLY; SHORT-RIB THORACIC DYSPLASIA 5 WITH OR WITHOUT POLYDACTYLY. Identifiers: Orphanet 474, MedGen C3280598, MONDO:0013717, OMIM 614376.

Allele frequency attached by ClinVar (database versions not stated): ExAC 0.00002.

Submission:

Labcorp Genetics (formerly Invitae), Labcorp
Classification: Uncertain significance for Senior-Loken syndrome 8; Asphyxiating thoracic dystrophy 5. Last evaluated: 2022-03-27. Review status: criteria provided, single submitter. Criteria: Invitae Variant Classification Sherloc (09022015). Collection method: clinical testing. Allele origin: germline.
Comment: In summary, the available evidence is currently insufficient to determine the role of this variant in disease. Therefore, it has been classified as a Variant of Uncertain Significance. Algorithms developed to predict the effect of missense changes on protein structure and function (SIFT, PolyPhen-2, Align-GVGD) all suggest that this variant is likely to be tolerated. This variant has not been reported in the literature in individuals affected with WDR19-related conditions. The frequency data for this variant in the population databases is considered unreliable, as metrics indicate poor data quality at this position in the gnomAD database. This sequence change replaces asparagine, which is neutral and polar, with aspartic acid, which is acidic and polar, at codon 233 of the WDR19 protein (p.Asn233Asp).

NM_025132.4(WDR19):c.697A>G (p.Asn233Asp)

Gene: WDR19 (WD repeat domain 19; plus strand). Cytogenetic location: 4p14.
Variant type: single nucleotide variant.
Coding change: c.697A>G on transcript NM_025132.4 (MANE Select); coding-DNA position 697, A replaced by G.
Protein change: p.Asn233Asp; replaces asparagine 233 with aspartic acid.
Molecular consequence: missense variant.
Genome position (GRCh38, 1-based): chr4:39,205,247, A>G. VCF-style: chr4-39205247-A-G. GRCh37 (hg19) VCF-style: chr4-39206867-A-G.
Other names: c.217A>G, p.Asn73Asp (NM_001317924.2); short protein forms N73D, N233D.
Identifiers: ClinVar variation 1965438 (VCV001965438.5), dbSNP rs745377050, ClinGen allele CA2891676.